The following is an entry in ClinVar:

ClinVar aggregate classification (germline): Uncertain significance (1 of 4 stars; one submission).

Conditions:
Hereditary cancer-predisposing syndrome. Also called: Hereditary Cancer Syndrome; Hereditary neoplastic syndrome; Tumor predisposition; Neoplastic Syndromes, Hereditary. Identifiers: Orphanet 140162, MedGen C0027672, MeSH D009386, MONDO:0015356.

Submission:

Ambry Genetics
Classification: Uncertain significance for Hereditary cancer-predisposing syndrome. Last evaluated: 2022-04-27. Review status: criteria provided, single submitter. Criteria: Ambry Variant Classification Scheme 2023. Collection method: clinical testing. Allele origin: germline.
Comment: The p.K770R variant (also known as c.2309A>G), located in coding exon 16 of the MSH3 gene, results from an A to G substitution at nucleotide position 2309. The lysine at codon 770 is replaced by arginine, an amino acid with highly similar properties. This amino acid position is conserved. In addition, this alteration is predicted to be tolerated by in silico analysis. Since supporting evidence is limited at this time, the clinical significance of this alteration remains unclear.

NM_002439.5(MSH3):c.2309A>G (p.Lys770Arg)

Gene: MSH3 (mutS homolog 3; plus strand). Cytogenetic location: 5q14.1.
Variant type: single nucleotide variant.
Coding change: c.2309A>G on transcript NM_002439.5 (MANE Select); coding-DNA position 2309, A replaced by G.
Protein change: p.Lys770Arg; replaces lysine 770 with arginine.
Molecular consequence: missense variant.
Genome position (GRCh38, 1-based): chr5:80,775,749, A>G. VCF-style: chr5-80775749-A-G. GRCh37 (hg19) VCF-style: chr5-80071568-A-G.
Other names: short protein forms K770R.
Identifiers: ClinVar variation 1789393 (VCV001789393.2), dbSNP rs2112890209, ClinGen allele CA360280975.